The following is an entry in ClinVar:

ClinVar aggregate classification (germline): Uncertain significance. Review status: criteria provided, multiple submitters, no conflicts (2 of 4 stars). 2 submissions from 2 submitters: Uncertain significance (2). Last evaluated 2026-01-07.

Conditions:
Normophosphatemic familial tumoral calcinosis. Also called: CALCINOSIS, TUMORAL, WITH NORMOPHOSPHATEMIA. Identifiers: Orphanet 306658, Orphanet 53715, MedGen C1864861, MONDO:0012502, OMIM 610455.

Submissions (2):

Myriad Genetics, Inc.
Classification: Uncertain significance for Normophosphatemic familial tumoral calcinosis. Last evaluated: 2026-01-07. Review status: criteria provided, single submitter. Criteria: Myriad Autosomal Dominant, Autosomal Recessive and X-Linked Classification Criteria (2023). Collection method: clinical testing. Allele origin: unknown.
Comment: NM_017654.3(SAMD9):c.2393_2395delTTG(V798del) is an in-frame deletion classified as a variant of uncertain significance in the context of normophosphatemic familial tumoral calcinosis. V798del has not been observed in cases with relevant disease. Relevant functional assessments of this variant are not available in the literature. V798del has not been observed in referenced population frequency databases. In summary, there is insufficient evidence to classify NM_017654.3(SAMD9):c.2393_2395delTTG(V798del) as pathogenic or benign. Please note: this variant was assessed in the context of healthy population screening.

Blueprint Genetics
Classification: Uncertain significance. Last evaluated: 2022-07-20. Review status: criteria provided, single submitter. Criteria: ACMG Guidelines, 2015. Collection method: clinical testing. Allele origin: germline.

NM_017654.4(SAMD9):c.2390TTG[1] (p.Val798del)

Gene: SAMD9 (sterile alpha motif domain containing 9; minus strand). Cytogenetic location: 7q21.2.
Variant type: Microsatellite.
Coding change: c.2390TTG[1] on transcript NM_017654.4 (MANE Select); one copy of the 3-base unit TTG starting at c.2390; the reference has two copies in a row; one copy, 3 bases deleted.
Protein change: p.Val798del; deletes valine 798.
Genome position (GRCh38, 1-based): chr7:93,103,703-93,103,705, CAA deleted on the plus strand (TTG on the coding strand, the reverse complement: SAMD9 is on the minus strand); deleting any 3 consecutive bases within chr7:93,103,703-93,103,708 gives the same sequence; the position shown is the placement nearest the transcript's 3' end. VCF-style (leftmost placement, unchanged base first): chr7-93103702-TCAA-T. GRCh37 (hg19) VCF-style: chr7-92733015-TCAA-T.
Other names: c.2390TTG[1], p.Val798del (NM_001193307.2); short protein forms V798del.
Identifiers: ClinVar variation 4896744 (VCV004896744.2).